The following is an entry in ClinVar:

ClinVar aggregate classification (germline): Pathogenic/Likely pathogenic. Review status: criteria provided, multiple submitters, no conflicts (2 of 4 stars). 2 submissions from 2 submitters: Pathogenic (1); Likely pathogenic (1). Last evaluated 2025-08-29.

Conditions:
Marfan syndrome (MFS). Also called: FBN1-Related Marfan Syndrome; Marfan syndrome, classic; MARFAN SYNDROME, TYPE I; Marfan syndrome type 1; Marfan's syndrome. Identifiers: Orphanet 284963, Orphanet 558, MedGen C0024796, MONDO:0007947, OMIM 154700.
Familial thoracic aortic aneurysm and aortic dissection (TAAD). Also called: Thoracic aortic aneurysms and dissections. Identifiers: Orphanet 91387, MedGen C4707243, MONDO:0019625.

Submissions (2):

Labcorp Genetics (formerly Invitae), Labcorp
Classification: Pathogenic for Marfan syndrome; Familial thoracic aortic aneurysm and aortic dissection. Last evaluated: 2025-08-29. Review status: criteria provided, single submitter. Criteria: Invitae Variant Classification Sherloc (09022015). Collection method: clinical testing. Allele origin: germline.
Comment: This sequence change replaces cysteine, which is neutral and slightly polar, with tryptophan, which is neutral and slightly polar, at codon 832 of the FBN1 protein (p.Cys832Trp). This variant is not present in population databases (gnomAD no frequency). This missense change has been observed in individual(s) with Marfan syndrome (PMID: 24793577, 33576469). In at least one individual the variant was observed to be de novo. ClinVar contains an entry for this variant (Variation ID: 42312). Invitae Evidence Modeling of protein sequence and biophysical properties (such as structural, functional, and spatial information, amino acid conservation, physicochemical variation, residue mobility, and thermodynamic stability) indicates that this missense variant is expected to disrupt FBN1 protein function with a positive predictive value of 95%. This variant affects a cysteine residue in the EGF-like, TGFBP or hybrid motif domains of FBN1. Cysteine residues are believed to be involved in intramolecular disulfide bridges and have been shown to be important for FBN1 protein structure (PMID: 16905551, 19349279). In addition, missense substitutions affecting cysteine residues within these domains are significantly overrepresented among patients with Marfan syndrome (PMID: 16571647, 17701892). This variant disrupts the p.Cys832 amino acid residue in FBN1. Other variant(s) that disrupt this residue have been observed in individuals with FBN1-related conditions (PMID: 10464652, 19839986, 28277377), which suggests that this may be a clinically significant amino acid residue. For these reasons, this variant has been classified as Pathogenic.

Laboratory for Molecular Medicine, Mass General Brigham Personalized Medicine
Classification: Likely pathogenic for Marfan syndrome. Last evaluated: 2008-06-04. Review status: criteria provided, single submitter. Criteria: LMM Criteria. Collection method: clinical testing. Allele origin: germline. Observed: 1 variant allele.

Literature cited by the submitters: PubMed 24793577 (cited by Labcorp Genetics (formerly Invitae), Labcorp); PubMed 33576469 (cited by Labcorp Genetics (formerly Invitae), Labcorp); PubMed 16905551 (cited by Labcorp Genetics (formerly Invitae), Labcorp); PubMed 19349279 (cited by Labcorp Genetics (formerly Invitae), Labcorp); PubMed 16571647 (cited by Labcorp Genetics (formerly Invitae), Labcorp); PubMed 17701892 (cited by Labcorp Genetics (formerly Invitae), Labcorp); PubMed 10464652 (cited by Labcorp Genetics (formerly Invitae), Labcorp); PubMed 19839986 (cited by Labcorp Genetics (formerly Invitae), Labcorp); PubMed 28277377 (cited by Labcorp Genetics (formerly Invitae), Labcorp).

NM_000138.5(FBN1):c.2496T>G (p.Cys832Trp)

Gene: FBN1 (fibrillin 1; minus strand). Cytogenetic location: 15q21.1.
Variant type: single nucleotide variant.
Coding change: c.2496T>G on transcript NM_000138.5 (MANE Select); coding-DNA position 2496, T replaced by G.
Protein change: p.Cys832Trp; replaces cysteine 832 with tryptophan.
Molecular consequence: missense variant.
Genome position (GRCh38, 1-based): chr15:48,495,512, A>C on the plus strand (T>G on the coding strand, the complement: FBN1 is on the minus strand). VCF-style: chr15-48495512-A-C. GRCh37 (hg19) VCF-style: chr15-48787709-A-C.
Other names: short protein forms C832W.
Identifiers: ClinVar variation 42312 (VCV000042312.7), dbSNP rs397515776, ClinGen allele CA013163.
Genomic context (GRCh38, chr15:48,495,512, plus strand): 5'-CTCAGAAAGATAAATACCTATGCAGATGGTTTTTGTTGGATCCAAAGTACTTTCAGAAGA[A>C]CATTCACAAATAAAAGAGCCTGGGCTGTTCTTGCAGACTCCATTAATGCAAGGACTTGAT-3'
Protein context (NP_000129.3, residues 822-842): KNSPGSFICE[Cys832Trp]SSESTLDPTK